The following is an entry in ClinVar:

NM_004655.4(AXIN2):c.1615G>A (p.Val539Met)

Gene: AXIN2 (axin 2; minus strand). Cytogenetic location: 17q24.1.
Variant type: single nucleotide variant.
Coding change: c.1615G>A on transcript NM_004655.4 (MANE Select); coding-DNA position 1615, G replaced by A.
Protein change: p.Val539Met; replaces valine 539 with methionine.
Molecular consequence: missense variant.
Genome position (GRCh38, 1-based): chr17:65,537,421, C>T on the plus strand (G>A on the coding strand, the complement: AXIN2 is on the minus strand). VCF-style: chr17-65537421-C-T. GRCh37 (hg19) VCF-style: chr17-63533539-C-T.
Other names: p.V539M:GTG>ATG; c.1615G>A (LRG_296t1); c.1615G>A, p.Val539Met (NM_001363813.1); short protein forms V539M.
Identifiers: ClinVar variation 136484 (VCV000136484.45), dbSNP rs9913621, ClinGen allele CA289644.
Genomic context (GRCh38, chr17:65,537,421, plus strand): 5'-AGTGGCTTTTGCATTTCGAGTAGCAGTAATACTCGCTGCCCCCAGGGCAGAAGCAGTGCA[C>T]CCGCTGCGTGGCCTCCGCCTCGATCTCCTCCTTGGTCTTGGGGACGGCATGGTGGTGGAT-3'
Protein context (NP_004646.3, residues 529-549): EEIEAEATQR[Val539Met]HCFCPGGSEY

ClinVar aggregate classification (germline): Benign/Likely benign. Review status: criteria provided, multiple submitters, no conflicts (2 of 4 stars). 17 submissions from 17 submitters: Benign (11); Likely benign (3). 3 of the submissions do not count toward it. Last evaluated 2026-03-04.

Conditions:
Colorectal cancer. Also called: Colorectal cancer, somatic; Malignant Colorectal Neoplasm. Identifiers: MedGen C0346629, MONDO:0005575, OMIM 114500.
Oligodontia-cancer predisposition syndrome. Also called: TOOTH AGENESIS-COLORECTAL CANCER SYNDROME. Identifiers: Orphanet 300576, MedGen C1837750, MONDO:0012075, OMIM 608615. Disease mechanism: loss of function.
Hereditary cancer-predisposing syndrome. Also called: Tumor predisposition; Hereditary Cancer Syndrome; Hereditary neoplastic syndrome; Neoplastic Syndromes, Hereditary. Identifiers: Orphanet 140162, MedGen C0027672, MeSH D009386, MONDO:0015356.

Allele frequency attached by ClinVar (database versions not stated): ExAC 0.00404; gnomAD 0.01361 and 0.01269; ESP Exome Variant Server 0.01330; 1000 Genomes Project 0.01458; 1000 Genomes Project 30x 0.01483; TOPMed 0.01315.
gnomAD v4.1: 3,813 of 1,613,986 alleles (0.24%); highest among the groups gnomAD compares: African/African-American, 4.4%; 83 homozygotes.

Submissions (17):

Myriad Genetics, Inc.
Classification: Likely benign for Oligodontia-cancer predisposition syndrome. Last evaluated: 2026-03-04. Review status: criteria provided, single submitter. Criteria: Myriad Autosomal Dominant, Autosomal Recessive and X-Linked Classification Criteria (2023). Collection method: clinical testing. Allele origin: unknown.
Comment: This variant is considered likely benign. This variant has been observed at a population frequency that is significantly greater than expected given the associated disease prevalence and penetrance.

Labcorp Genetics (formerly Invitae), Labcorp
Classification: Benign for Oligodontia-cancer predisposition syndrome. Last evaluated: 2026-02-04. Review status: criteria provided, single submitter. Criteria: Invitae Variant Classification Sherloc (09022015). Collection method: clinical testing. Allele origin: germline.

Quest Diagnostics Nichols Institute San Juan Capistrano
Classification: Benign. Last evaluated: 2025-06-19. Review status: criteria provided, single submitter. Criteria: Quest Diagnostics criteria. Collection method: clinical testing. Allele origin: unknown.

Center for Genomic Medicine, Rigshospitalet, Copenhagen University Hospital
Classification: Benign. Last evaluated: 2025-03-04. Review status: criteria provided, single submitter. Criteria: ACMG Guidelines, 2015. Collection method: clinical testing. Allele origin: germline.

Department of Pathology and Laboratory Medicine, Sinai Health System
Classification: Benign for oligodontia-cancer predisposition syndrome. Last evaluated: 2025-02-11. Review status: criteria provided, single submitter. Criteria: ACMG Guidelines, 2015. Collection method: clinical testing. Allele origin: germline.

KCCC/NGS Laboratory, Kuwait Cancer Control Center
Classification: Benign for Oligodontia-cancer predisposition syndrome. Last evaluated: 2023-07-07. Review status: criteria provided, single submitter. Criteria: ACMG Guidelines, 2015. Collection method: clinical testing. Allele origin: germline. Affected: yes.

ARUP Laboratories, Molecular Genetics and Genomics, ARUP Laboratories
Classification: Benign. Last evaluated: 2022-10-20. Review status: criteria provided, single submitter. Criteria: ARUP Molecular Germline Variant Investigation Process 2021. Collection method: clinical testing. Allele origin: germline.

Fulgent Genetics
Classification: Benign for Colorectal cancer; Oligodontia-cancer predisposition syndrome. Last evaluated: 2021-12-22. Review status: criteria provided, single submitter. Criteria: ACMG Guidelines, 2015. Collection method: clinical testing. Allele origin: unknown.

Ambry Genetics
Classification: Benign for Hereditary cancer-predisposing syndrome. Last evaluated: 2019-05-08. Review status: criteria provided, single submitter. Criteria: Ambry Variant Classification Scheme 2023. Collection method: clinical testing. Allele origin: germline.

Illumina Laboratory Services, Illumina
Classification: Likely benign for Oligodontia-cancer predisposition syndrome. Last evaluated: 2017-04-27. Review status: criteria provided, single submitter. Criteria: ICSL Variant Classification Criteria 13 December 2019. Collection method: clinical testing. Allele origin: germline.
Comment: This variant was observed as part of a predisposition screen in an ostensibly healthy population. A literature search was performed for the gene, cDNA change, and amino acid change (where applicable). Publications were found based on this search. The evidence from the literature, in combination with allele frequency data from public databases where available, was sufficient to determine this variant is unlikely to cause disease. Therefore, this variant is classified as likely benign.

Women's Health and Genetics/Laboratory Corporation of America, LabCorp
Classification: Benign. Last evaluated: 2016-04-28. Review status: criteria provided, single submitter. Criteria: LabCorp Variant Classification Summary - May 2015. Collection method: clinical testing. Allele origin: germline.
Comment: Variant summary: The c.1615G>A variant affects a conserved nucleotide, resulting in amino acid change from Val to Met. 2/4 in-silico tools predict this variant to be benign (SNPs&GO not captured due to low reliability index). This variant is found in 491/121392 control chromosomes (14 homozygotes) at a frequency of 0.0040447, which is about 28 times of the maximal expected frequency of a pathogenic allele (0.0001421). Variant is predominalty observed in African subpopulation in ExAC with MAF of 0.0434365, suggesting this variant is benign especially in Africans. In addition, multiple clinical laboratories classified this variant as benign. Taken together, this variant was classified as benign.

Vantari Genetics
Classification: Benign for Hereditary cancer-predisposing syndrome. Last evaluated: 2015-12-01. Review status: criteria provided, single submitter. Criteria: ACMG Guidelines, 2015. Collection method: clinical testing. Allele origin: germline.

GeneDx
Classification: Benign. Last evaluated: 2013-10-18. Review status: criteria provided, single submitter. Criteria: GeneDx Variant Classification (06012015). Collection method: clinical testing. Allele origin: germline. Affected: yes.
Comment: This variant is considered likely benign or benign based on one or more of the following criteria: it is a conservative change, it occurs at a poorly conserved position in the protein, it is predicted to be benign by multiple in silico algorithms, and/or has population frequency not consistent with disease.

Breakthrough Genomics
Classification: Likely benign. Review status: criteria provided, single submitter. Criteria: ACMG Guidelines, 2015. Collection method: not provided. Allele origin: germline. Inheritance: Autosomal dominant inheritance. Affected: yes.

Clinical Genetics, Academic Medical Center
Classification: Benign. Review status: no assertion criteria provided. Collection method: clinical testing. Allele origin: germline. Affected: yes. Study: VKGL Data-share Consensus. Not counted in ClinVar's aggregate classification.

Genome Diagnostics Laboratory, Amsterdam University Medical Center
Classification: Benign. Review status: no assertion criteria provided. Collection method: clinical testing. Allele origin: germline. Affected: yes. Study: VKGL Data-share Consensus. Not counted in ClinVar's aggregate classification.

Mayo Clinic Laboratories, Mayo Clinic
Classification: Benign. Review status: no assertion criteria provided. Collection method: clinical testing. Allele origin: unknown. Not counted in ClinVar's aggregate classification.

Literature cited by the submitters: PubMed 21069480 (cited by Illumina Laboratory Services, Illumina); PubMed 19065536 (cited by Illumina Laboratory Services, Illumina); PubMed 21472303 (cited by Illumina Laboratory Services, Illumina).